The following is an entry in ClinVar:

ClinVar aggregate classification (germline): Pathogenic. Review status: criteria provided, multiple submitters, no conflicts (2 of 4 stars). 8 submissions from 8 submitters: Pathogenic (8). Last evaluated 2026-01-24.

Conditions:
Hereditary spastic paraplegia 11. Also called: SPASTIC PARAPLEGIA, AUTOSOMAL RECESSIVE, COMPLICATED, WITH THIN CORPUS CALLOSUM; SPASTIC PARAPLEGIA, AUTOSOMAL RECESSIVE, WITH MENTAL IMPAIRMENT AND THIN CORPUS CALLOSUM; Spastic Paraplegia 11; Nakamura Osame syndrome; Autosomal recessive hereditary spastic paraplegia, mental impairment, and thin corpus callosum; Spastic paraplegia, mental retardation and thin corpus callosum. Identifiers: Orphanet 2822, MedGen C1858479, MONDO:0011445, OMIM 604360.
Amyotrophic lateral sclerosis type 5 (ALS5). Also called: AMYOTROPHIC LATERAL SCLEROSIS 5, JUVENILE. Identifiers: Orphanet 300605, MedGen C1865864, MONDO:0011196, OMIM 602099.
Charcot-Marie-Tooth disease axonal type 2X. Also called: CHARCOT-MARIE-TOOTH DISEASE, AXONAL, AUTOSOMAL RECESSIVE, TYPE 2X; CHARCOT-MARIE-TOOTH NEUROPATHY, TYPE 2X. Identifiers: Orphanet 466775, MedGen C5569024, MONDO:0014726, OMIM 616668.

Allele frequency attached by ClinVar (database versions not stated): gnomAD 0.00001; gnomAD exomes 0.00001; TOPMed 0.00001; ExAC 0.00002.
gnomAD v4.1: 16 of 1,614,026 alleles (0.00099%); highest among the groups gnomAD compares: East Asian, 0.016%; no homozygotes.

Submissions (8):

Labcorp Genetics (formerly Invitae), Labcorp
Classification: Pathogenic for Hereditary spastic paraplegia 11. Last evaluated: 2026-01-24. Review status: criteria provided, single submitter. Criteria: Invitae Variant Classification Sherloc (09022015). Collection method: clinical testing. Allele origin: germline.
Comment: This sequence change affects a donor splice site in intron 30 of the SPG11 gene. It is expected to disrupt RNA splicing. Variants that disrupt the donor or acceptor splice site typically lead to a loss of protein function (PMID: 16199547), and loss-of-function variants in SPG11 are known to be pathogenic (PMID: 19105190, 20110243, 22154821, 26556829). This variant is present in population databases (rs765725393, gnomAD 0.005%). Disruption of this splice site has been observed in individuals with hereditary spastic paraplegia (PMID: 20110243, 26671123, 27217339). It has also been observed to segregate with disease in related individuals. ClinVar contains an entry for this variant (Variation ID: 954075). Algorithms developed to predict the effect of sequence changes on RNA splicing suggest that this variant may disrupt the consensus splice site. For these reasons, this variant has been classified as Pathogenic.

Victorian Clinical Genetics Services, Murdoch Childrens Research Institute
Classification: Pathogenic for Hereditary spastic paraplegia 11. Last evaluated: 2024-10-09. Review status: criteria provided, single submitter. Criteria: ACMG Guidelines, 2015. Collection method: clinical testing. Allele origin: germline. Inheritance: Autosomal recessive inheritance. Affected: yes.
Comment: Based on the classification scheme VCGS_Germline_v1.3.4, this variant is classified as Pathogenic. Following criteria are met: 0102 - Loss of function is a known mechanism of disease in this gene and is associated with juvenile amyotrophic lateral sclerosis 5 (MIM#602099), Charcot-Marie-Tooth disease, axonal, type 2X (MIM#616668) and spastic paraplegia 11 (MIM#604360). The genotype-phenotype correlation is currently unestablished. (I) 0106 - This gene is associated with autosomal recessive disease. (I) 0210 - Splice site variant proven to affect splicing of the transcript with a known effect on protein sequence. RT-PCR analysis in patient T cells demonstrated this variant leads to nonsense-mediated decay (PMID: 26671123). (SP) 0251 - This variant is heterozygous. (I) 0304 - Variant is present in gnomAD (v2) <0.01 for a recessive condition (4 heterozygotes, 0 homozygotes). (SP) 0801 - This variant has strong previous evidence of pathogenicity in unrelated individuals. This variant has been classified as pathogenic by multiple clinical laboratories in ClinVar. This variant has also been observed in a homozygous individual with SPG11-related symptoms, as well as one individual with this variant and p.(Arg2034*) (PMID: 26671123, VCGS internal database). (SP) 1208 - Inheritance information for this variant is not currently available in this individual. (I) Legend: (SP) - Supporting pathogenic, (I) - Information, (SB) - Supporting benign

Fulgent Genetics
Classification: Pathogenic for Amyotrophic lateral sclerosis type 5; Hereditary spastic paraplegia 11; Charcot-Marie-Tooth disease axonal type 2X. Last evaluated: 2024-05-21. Review status: criteria provided, single submitter. Criteria: ACMG Guidelines, 2015. Collection method: clinical testing. Allele origin: germline.

GeneDx
Classification: Pathogenic. Last evaluated: 2023-08-09. Review status: criteria provided, single submitter. Criteria: GeneDx Variant Classification Process June 2021. Collection method: clinical testing. Allele origin: germline. Affected: yes.
Comment: Canonical splice site variant predicted to result in a null allele in a gene for which loss of function is a known mechanism of disease; Not observed at significant frequency in large population cohorts (gnomAD); This variant is associated with the following publications: (PMID: 25525159, 29980238, 20110243, 26671123, 26003865)

Neurometabolic Diseases Laboratory, Bellvitge Biomedical Research Institute (IDIBELL)
Classification: Pathogenic for Hereditary spastic paraplegia 11. Last evaluated: 2023-04-27. Review status: criteria provided, single submitter. Criteria: ACMG Guidelines, 2015. Collection method: research. Allele origin: germline. Affected: yes.

Revvity Omics, Revvity
Classification: Pathogenic. Last evaluated: 2020-02-21. Review status: criteria provided, single submitter. Criteria: ACMG Guidelines, 2015. Collection method: clinical testing. Allele origin: germline.

Genome-Nilou Lab
Classification: Pathogenic for Hereditary spastic paraplegia 11. Review status: criteria provided, single submitter. Criteria: ACMG Guidelines, 2015. Collection method: clinical testing. Allele origin: germline.

Paris Brain Institute, Inserm - ICM
Classification: Pathogenic for Hereditary spastic paraplegia 11. Review status: criteria provided, single submitter. Criteria: ACMG Guidelines, 2015. Collection method: clinical testing. Allele origin: unknown. Affected: yes. Observed: 4 variant alleles.

Literature cited by the submitters: PubMed 16199547 (cited by Labcorp Genetics (formerly Invitae), Labcorp); PubMed 19105190 (cited by Labcorp Genetics (formerly Invitae), Labcorp); PubMed 20110243 (cited by Labcorp Genetics (formerly Invitae), Labcorp); PubMed 22154821 (cited by Labcorp Genetics (formerly Invitae), Labcorp); PubMed 26556829 (cited by Labcorp Genetics (formerly Invitae), Labcorp); PubMed 26671123 (cited by Labcorp Genetics (formerly Invitae), Labcorp and Victorian Clinical Genetics Services, Murdoch Childrens Research Institute); PubMed 27217339 (cited by Labcorp Genetics (formerly Invitae), Labcorp).

NM_025137.4(SPG11):c.5866+1G>A

Gene: SPG11 (SPG11 vesicle trafficking associated, spatacsin; minus strand). Cytogenetic location: 15q21.1.
Variant type: single nucleotide variant.
Coding change: c.5866+1G>A on transcript NM_025137.4 (MANE Select); the canonical splice donor site of the intron after coding-DNA position 5866, G replaced by A.
Molecular consequence: splice donor variant.
Genome position (GRCh38, 1-based): chr15:44,583,813, C>T on the plus strand (G>A on the coding strand, the complement: SPG11 is on the minus strand). VCF-style: chr15-44583813-C-T. GRCh37 (hg19) VCF-style: chr15-44876011-C-T.
Other names: c.5722+1G>A (NM_001411132.1); c.5866+1G>A (NM_001160227.2).
Identifiers: ClinVar variation 954075 (VCV000954075.46), dbSNP rs765725393, ClinGen allele CA7534333.